The following is an entry in ClinVar:

NM_017514.5(PLXNA3):c.1307G>C (p.Ser436Thr)

Gene: PLXNA3 (plexin A3; plus strand). Cytogenetic location: Xq28.
Variant type: single nucleotide variant.
Coding change: c.1307G>C on transcript NM_017514.5 (MANE Select); coding-DNA position 1307, G replaced by C.
Protein change: p.Ser436Thr; replaces serine 436 with threonine.
Molecular consequence: missense variant.
Genome position (GRCh38, 1-based): chrX:154,462,300, G>C. VCF-style: chrX-154462300-G-C. GRCh37 (hg19) VCF-style: chrX-153690640-G-C.
Other names: short protein forms S436T.
Identifiers: ClinVar variation 4986268 (VCV004986268.1).

ClinVar aggregate classification (germline): Uncertain significance (1 of 4 stars; one submission).

Conditions:
PLXNA3-related disorder. Also called: PLXNA3-related condition.

gnomAD v4.1: 10 of 1,150,814 alleles (0.00087%); highest among the groups gnomAD compares: South Asian, 0.01%; no homozygotes.

Submission:

PreventionGenetics, part of Exact Sciences
Classification: Uncertain significance for PLXNA3-related condition. Last evaluated: 2025-05-28. Review status: criteria provided, single submitter. Criteria: ACMG Guidelines, 2015. Collection method: clinical testing. Allele origin: germline.
Comment: The PLXNA3 c.1307G>C variant is predicted to result in the amino acid substitution p.Ser436Thr. To our knowledge, this variant has not been reported in the literature. This variant is reported in 0.018% of alleles in individuals of South Asian descent in gnomAD, including one hemizygote. At this time, the clinical significance of this variant is uncertain due to the absence of conclusive functional and genetic evidence.